The following is an entry in ClinVar:

ClinVar aggregate classification (germline): Uncertain significance. Review status: criteria provided, multiple submitters, no conflicts (2 of 4 stars). 4 submissions from 4 submitters: Uncertain significance (4). Last evaluated 2026-07-14.

Conditions:
CACNA1F-related disorder. Also called: CACNA1F-related condition.
Inborn genetic diseases. Identifiers: MedGen C0950123, MeSH D030342.

Allele frequency attached by ClinVar (database versions not stated): TOPMed 0.00002.
gnomAD v4.1: 21 of 1,183,389 alleles (0.0018%); highest among the groups gnomAD compares: Non-Finnish European, 0.0023%; no homozygotes.

Submissions (4):

PreventionGenetics, part of Exact Sciences
Classification: Uncertain significance for CACNA1F-related condition. Last evaluated: 2026-07-14. Review status: criteria provided, single submitter. Criteria: ACMG Guidelines, 2015. Collection method: clinical testing. Allele origin: germline.
Comment: The CACNA1F c.1489C>T variant is predicted to result in the amino acid substitution p.Arg497Cys. To our knowledge, this variant has not been reported in the literature or in a large population database (gnomAD), indicating this variant is rare. At this time, the clinical significance of this variant is uncertain due to the absence of conclusive functional and genetic evidence.

Ambry Genetics
Classification: Uncertain significance for Inborn genetic diseases. Last evaluated: 2026-06-23. Review status: criteria provided, single submitter. Criteria: Ambry Variant Classification Scheme 2023. Collection method: clinical testing. Allele origin: germline.

Labcorp Genetics (formerly Invitae), Labcorp
Classification: Uncertain significance. Last evaluated: 2022-02-28. Review status: criteria provided, single submitter. Criteria: Invitae Variant Classification Sherloc (09022015). Collection method: clinical testing. Allele origin: germline.
Comment: This variant has not been reported in the literature in individuals affected with CACNA1F-related conditions. This variant is not present in population databases (gnomAD no frequency). This sequence change replaces arginine, which is basic and polar, with cysteine, which is neutral and slightly polar, at codon 497 of the CACNA1F protein (p.Arg497Cys). Algorithms developed to predict the effect of missense changes on protein structure and function are either unavailable or do not agree on the potential impact of this missense change (SIFT: "Deleterious"; PolyPhen-2: "Benign"; Align-GVGD: "Class C0"). In summary, the available evidence is currently insufficient to determine the role of this variant in disease. Therefore, it has been classified as a Variant of Uncertain Significance.

Blueprint Genetics
Classification: Uncertain significance. Last evaluated: 2017-08-31. Review status: criteria provided, single submitter. Criteria: ACMG Guidelines, 2015. Collection method: clinical testing. Allele origin: germline.

NM_001256789.3(CACNA1F):c.1456C>T (p.Arg486Cys)

Gene: CACNA1F (calcium voltage-gated channel subunit alpha1 F; minus strand). Cytogenetic location: Xp11.23.
Variant type: single nucleotide variant.
Coding change: c.1456C>T on transcript NM_001256789.3 (MANE Select); coding-DNA position 1456, C replaced by T.
Protein change: p.Arg486Cys; replaces arginine 486 with cysteine.
Molecular consequence: missense variant.
Genome position (GRCh38, 1-based): chrX:49,226,416, G>A on the plus strand (C>T on the coding strand, the complement: CACNA1F is on the minus strand). VCF-style: chrX-49226416-G-A. GRCh37 (hg19) VCF-style: chrX-49082878-G-A.
Other names: c.1489C>T (NM_005183.2, NM_005183.3); c.1294C>T, p.Arg432Cys (NM_001256790.3); c.1489C>T, p.Arg497Cys (NM_005183.4); short protein forms R497C, R432C, R486C.
Identifiers: ClinVar variation 1938515 (VCV001938515.8), dbSNP rs782535896, ClinGen allele CA10410871.